The following is an entry in ClinVar:

NC_000010.10:g.(?_97376214)_(97376391_?)del

Gene: ALDH18A1 (aldehyde dehydrogenase 18 family member A1; minus strand). Cytogenetic location: 10q24.1.
Variant type: Deletion.
Identifiers: ClinVar variation 2424550 (VCV002424550.5).

ClinVar aggregate classification (germline): Pathogenic (1 of 4 stars; one submission).

Conditions:
Autosomal dominant spastic paraplegia type 9. Identifiers: MedGen C1832669, MONDO:0015091.
de Barsy syndrome. Also called: Cutis laxa-corneal clouding-oligophrenia syndrome. Identifiers: Orphanet 2962, MedGen C0268354, MONDO:0017569.
Cutis laxa, autosomal dominant 3 (ADCL3). Identifiers: Orphanet 90348, MedGen C4225268, MONDO:0014706, OMIM 616603.

Submission:

Labcorp Genetics (formerly Invitae), Labcorp
Classification: Pathogenic for Autosomal dominant spastic paraplegia type 9; de Barsy syndrome; Cutis laxa, autosomal dominant 3. Last evaluated: 2021-11-16. Review status: criteria provided, single submitter. Criteria: Invitae Variant Classification Sherloc (09022015). Collection method: clinical testing. Allele origin: germline.
Comment: A gross deletion of the genomic region encompassing the full coding sequence of the ALDH18A1 gene has been identified. Loss-of-function variants in ALDH18A1 are known to be pathogenic (PMID: 21739576, 24913064, 28567303, 28604674, 29915212). The boundaries of this event are unknown as they extend beyond the assayed region for this gene and therefore may encompass additional genes. This variant has not been reported in the literature in individuals affected with ALDH18A1-related conditions. For these reasons, this variant has been classified as Pathogenic.

Literature cited by the submitters: PubMed 21739576; PubMed 24913064; PubMed 28567303; PubMed 28604674; PubMed 29915212.